The following is an entry in ClinVar:

NM_001042492.3(NF1):c.1861del (p.Ser621fs)

Gene: NF1 (neurofibromin 1; plus strand). Cytogenetic location: 17q11.2.
Variant type: Deletion.
Coding change: c.1861del on transcript NM_001042492.3 (MANE Select); coding-DNA position 1861, one base deleted (T; older notation c.1861delT).
Protein change: p.Ser621fs; shifts the reading frame from serine 621.
Molecular consequence: frameshift variant.
Genome position (GRCh38, 1-based): chr17:31,225,110, T deleted; the last of 2 consecutive T bases (chr17:31,225,109-31,225,110); deleting either gives the same sequence. VCF-style (leftmost placement, unchanged base first): chr17-31225108-GT-G. GRCh37 (hg19) VCF-style: chr17-29552126-GT-G.
Other names: c.1861delT, p.Ser621Profs (NM_000267.4); c.1861delT (NM_000267.3); short protein forms S621fs.
Identifiers: ClinVar variation 645426 (VCV000645426.5), dbSNP rs1597710358, ClinGen allele CA915949749.
Genomic context (GRCh38, chr17:31,225,108, plus strand): 5'-TTGGTTGTCAGTGCTTCAGTAAAGCTTATTTATTTATTTTTTTCTAGCAGGCAGATAGAA[GT>G]TCCTGTCACTTTCTCCTTTTTTACGGGGTAGGATGTGATATTCCTTCTAGTGGAAATACC-3'

ClinVar aggregate classification (germline): Pathogenic (1 of 4 stars; one submission).

Conditions:
Neurofibromatosis, type 1 (NF1). Also called: NEUROFIBROMATOSIS, TYPE I, SOMATIC; VON RECKLINGHAUSEN DISEASE; Neurofibromatosis, type I; Peripheral type neurofibromatosis. Identifiers: Orphanet 636, MedGen C0027831, MONDO:0018975, OMIM 162200. Disease mechanism: loss of function.

Submission:

Labcorp Genetics (formerly Invitae), Labcorp
Classification: Pathogenic for Neurofibromatosis, type 1. Last evaluated: 2018-10-09. Review status: criteria provided, single submitter. Criteria: Invitae Variant Classification Sherloc (09022015). Collection method: clinical testing. Allele origin: germline.
Comment: This variant is not present in population databases (ExAC no frequency). This variant has not been reported in the literature in individuals with NF1-related disease. Loss-of-function variants in NF1 are known to be pathogenic (PMID: 10712197, 23913538). For these reasons, this variant has been classified as Pathogenic. This sequence change creates a premature translational stop signal (p.Ser621Profs*10) in the NF1 gene. It is expected to result in an absent or disrupted protein product.

Literature cited by the submitters: PubMed 10712197; PubMed 23913538.